The following is an entry in ClinVar:

NM_001451.3(FOXF1):c.1083G>A (p.Gly361=)

Gene: FOXF1 (forkhead box F1; plus strand). Cytogenetic location: 16q24.1.
Variant type: single nucleotide variant.
Coding change: c.1083G>A on transcript NM_001451.3 (MANE Select); coding-DNA position 1083, G replaced by A.
Protein change: p.Gly361=; no amino-acid change (glycine 361 retained).
Molecular consequence: synonymous variant.
Genome position (GRCh38, 1-based): chr16:86,513,028, G>A. VCF-style: chr16-86513028-G-A. GRCh37 (hg19) VCF-style: chr16-86546634-G-A.
Identifiers: ClinVar variation 689467 (VCV000689467.37), dbSNP rs112197095, ClinGen allele CA8217555.

ClinVar aggregate classification (germline): Benign. Review status: criteria provided, multiple submitters, no conflicts (2 of 4 stars). 5 submissions from 5 submitters: Benign (5). Last evaluated 2026-01-25.

Conditions:
Alveolar capillary dysplasia with pulmonary venous misalignment. Also called: Alveolar capillary dysplasia with misalignment of pulmonary veins; ALVEOLAR CAPILLARY DYSPLASIA WITH MISALIGNMENT OF PULMONARY VEINS AND OTHER CONGENITAL ANOMALIES; Congenital alveolar capillary dysplasia. Identifiers: Orphanet 210122, MedGen C2960310, MONDO:0009934, OMIM 265380.

Allele frequency attached by ClinVar (database versions not stated): gnomAD exomes 0.00042 and 0.00104; ExAC 0.00131; 1000 Genomes Project 30x 0.00328; 1000 Genomes Project 0.00339; gnomAD 0.00437 and 0.00477; TOPMed 0.00499; ESP Exome Variant Server 0.00546.

Submissions (5):

Labcorp Genetics (formerly Invitae), Labcorp
Classification: Benign. Last evaluated: 2026-01-25. Review status: criteria provided, single submitter. Criteria: Invitae Variant Classification Sherloc (09022015). Collection method: clinical testing. Allele origin: germline.

Blueprint Genetics
Classification: Benign. Last evaluated: 2024-10-02. Review status: criteria provided, single submitter. Criteria: ACMG Guidelines, 2015. Collection method: clinical testing. Allele origin: germline.

CeGaT Center for Human Genetics Tuebingen
Classification: Benign. Last evaluated: 2023-06-01. Review status: criteria provided, single submitter. Criteria: CeGaT Center For Human Genetics Tuebingen Variant Classification Criteria Version 2. Collection method: clinical testing. Allele origin: germline. Affected: yes. Observed: 1 variant allele.
Comment: FOXF1: BP4, BP7, BS1, BS2

Johns Hopkins Genomics, Johns Hopkins University
Classification: Benign for Alveolar capillary dysplasia with pulmonary venous misalignment. Last evaluated: 2019-06-05. Review status: criteria provided, single submitter. Criteria: ACMG Guidelines, 2015. Collection method: clinical testing. Allele origin: germline.

Breakthrough Genomics
Classification: Benign. Review status: criteria provided, single submitter. Criteria: ACMG Guidelines, 2015. Collection method: not provided. Allele origin: germline. Inheritance: Autosomal dominant inheritance. Affected: yes.